The following is an entry in ClinVar:

ClinVar aggregate classification (germline): Uncertain significance. Review status: criteria provided, multiple submitters, no conflicts (2 of 4 stars). 2 submissions from 2 submitters: Uncertain significance (2). Last evaluated 2022-09-27.

Allele frequency attached by ClinVar (database versions not stated): gnomAD exomes 0.00001.
gnomAD v4.1: 13 of 1,550,564 alleles (0.00084%); highest among the groups gnomAD compares: Admixed American, 0.025%; no homozygotes.

Submissions (2):

GeneDx
Classification: Uncertain significance. Last evaluated: 2022-09-27. Review status: criteria provided, single submitter. Criteria: GeneDx Variant Classification Process June 2021. Collection method: clinical testing. Allele origin: germline. Affected: yes.
Comment: In silico analysis supports that this missense variant does not alter protein structure/function; Has not been previously published as pathogenic or benign to our knowledge

Labcorp Genetics (formerly Invitae), Labcorp
Classification: Uncertain significance. Last evaluated: 2022-06-05. Review status: criteria provided, single submitter. Criteria: Invitae Variant Classification Sherloc (09022015). Collection method: clinical testing. Allele origin: germline.
Comment: This sequence change replaces proline, which is neutral and non-polar, with threonine, which is neutral and polar, at codon 1659 of the OTOG protein (p.Pro1659Thr). This variant is present in population databases (no rsID available, gnomAD 0.008%). This variant has not been reported in the literature in individuals affected with OTOG-related conditions. Algorithms developed to predict the effect of missense changes on protein structure and function output the following: SIFT: "Tolerated"; PolyPhen-2: "Benign"; Align-GVGD: "Class C0". The threonine amino acid residue is found in multiple mammalian species, which suggests that this missense change does not adversely affect protein function. In summary, the available evidence is currently insufficient to determine the role of this variant in disease. Therefore, it has been classified as a Variant of Uncertain Significance.

NM_001292063.2(OTOG):c.4939C>A (p.Pro1647Thr)

Gene: OTOG (otogelin; plus strand). Cytogenetic location: 11p15.1.
Variant type: single nucleotide variant.
Coding change: c.4939C>A on transcript NM_001292063.2 (MANE Select); coding-DNA position 4939, C replaced by A.
Protein change: p.Pro1647Thr; replaces proline 1647 with threonine.
Molecular consequence: missense variant.
Genome position (GRCh38, 1-based): chr11:17,610,239, C>A. VCF-style: chr11-17610239-C-A. GRCh37 (hg19) VCF-style: chr11-17631786-C-A.
Other names: c.4975C>A, p.Pro1659Thr (NM_001277269.2); short protein forms P1647T, P1659T.
Identifiers: ClinVar variation 1707827 (VCV001707827.6), dbSNP rs926237967, ClinGen allele CA218475885.